The following is an entry in ClinVar:

NM_000368.5(TSC1):c.2210A>T (p.Lys737Ile)

Gene: TSC1 (TSC complex subunit 1; minus strand). Cytogenetic location: 9q34.13.
Variant type: single nucleotide variant.
Coding change: c.2210A>T on transcript NM_000368.5 (MANE Select); coding-DNA position 2210, A replaced by T.
Protein change: p.Lys737Ile; replaces lysine 737 with isoleucine.
Molecular consequence: missense variant. On other transcripts: non-coding transcript variant (4).
Genome position (GRCh38, 1-based): chr9:132,902,786, T>A on the plus strand (A>T on the coding strand, the complement: TSC1 is on the minus strand). VCF-style: chr9-132902786-T-A. GRCh37 (hg19) VCF-style: chr9-135778173-T-A.
Other names: c.2207A>T, p.Lys736Ile (NM_001406598.1, NM_001406599.1, NM_001406600.1 and 4 more transcripts); c.2195A>T, p.Lys732Ile (NM_001406601.1, NM_001406602.1); c.2192A>T, p.Lys731Ile (NM_001406603.1, NM_001406604.1); c.2210A>T, p.Lys737Ile (NM_001406605.1, NM_001406606.1, NM_001406607.1 and 5 more transcripts); c.1847A>T, p.Lys616Ile (NM_001406617.1, NM_001406618.1, NM_001406619.1 and 5 more transcripts); c.1844A>T, p.Lys615Ile (NM_001406620.1, NM_001406621.1, NM_001406622.1 and 2 more transcripts); c.1259A>T, p.Lys420Ile (NM_001406626.1); c.2057A>T, p.Lys686Ile (NM_001162427.2, NM_001406610.1); and 3 more; short protein forms K616I, K420I, K615I, K686I, K737I, K419I, K685I, K732I.
Identifiers: ClinVar variation 2769662 (VCV002769662.3), dbSNP rs2131742080, ClinGen allele CA375360156.

ClinVar aggregate classification (germline): Uncertain significance (1 of 4 stars; one submission).

Conditions:
Tuberous sclerosis 1 (TSC1). Identifiers: Orphanet 805, MedGen C1854465, MONDO:0008612, OMIM 191100.

Submission:

Labcorp Genetics (formerly Invitae), Labcorp
Classification: Uncertain significance for Tuberous sclerosis 1. Last evaluated: 2023-10-17. Review status: criteria provided, single submitter. Criteria: Invitae Variant Classification Sherloc (09022015). Collection method: clinical testing. Allele origin: germline.
Comment: This sequence change replaces lysine, which is basic and polar, with isoleucine, which is neutral and non-polar, at codon 737 of the TSC1 protein (p.Lys737Ile). This variant is not present in population databases (gnomAD no frequency). This variant has not been reported in the literature in individuals affected with TSC1-related conditions. An algorithm developed to predict the effect of missense changes on protein structure and function (PolyPhen-2) suggests that this variant is likely to be disruptive. In summary, the available evidence is currently insufficient to determine the role of this variant in disease. Therefore, it has been classified as a Variant of Uncertain Significance.